The following is an entry in ClinVar:

NM_000368.5(TSC1):c.489A>G (p.Ser163=)

Gene: TSC1 (TSC complex subunit 1; minus strand). Cytogenetic location: 9q34.13.
Variant type: single nucleotide variant.
Coding change: c.489A>G on transcript NM_000368.5 (MANE Select); coding-DNA position 489, A replaced by G.
Protein change: p.Ser163=; no amino-acid change (serine 163 retained).
Molecular consequence: synonymous variant.
Genome position (GRCh38, 1-based): chr9:132,923,367, T>C on the plus strand (A>G on the coding strand, the complement: TSC1 is on the minus strand). VCF-style: chr9-132923367-T-C. GRCh37 (hg19) VCF-style: chr9-135798754-T-C.
Other names: c.489A>G, p.Ser163= (NM_001162426.2); c.336A>G, p.Ser112= (NM_001162427.2); c.126A>G, p.Ser42= (NM_001362177.2); c.489A>G (NM_000368.4).
Identifiers: ClinVar variation 1105518 (VCV001105518.11), dbSNP rs118203386, ClinGen allele CA467593935.

ClinVar aggregate classification (germline): Benign/Likely benign. Review status: criteria provided, multiple submitters, no conflicts (2 of 4 stars). 3 submissions from 3 submitters: Benign (1); Likely benign (2). Last evaluated 2026-02-10.

Conditions:
Hereditary cancer-predisposing syndrome. Also called: Hereditary Cancer Syndrome; Neoplastic Syndromes, Hereditary; Tumor predisposition; Hereditary neoplastic syndrome. Identifiers: Orphanet 140162, MedGen C0027672, MeSH D009386, MONDO:0015356.
Tuberous sclerosis 1 (TSC1). Identifiers: Orphanet 805, MedGen C1854465, MONDO:0008612, OMIM 191100.

Submissions (3):

Ambry Genetics
Classification: Likely benign for Hereditary cancer-predisposing syndrome. Last evaluated: 2026-02-10. Review status: criteria provided, single submitter. Criteria: Ambry Variant Classification Scheme 2023. Collection method: clinical testing. Allele origin: germline.

Myriad Genetics, Inc.
Classification: Benign for Tuberous sclerosis 1. Last evaluated: 2025-04-08. Review status: criteria provided, single submitter. Criteria: Myriad Autosomal Dominant, Autosomal Recessive and X-Linked Classification Criteria (2023). Collection method: clinical testing. Allele origin: unknown.
Comment: This variant is considered benign. This variant is a silent/synonymous amino acid change and it is not expected to impact splicing.

Labcorp Genetics (formerly Invitae), Labcorp
Classification: Likely benign for Tuberous sclerosis 1. Last evaluated: 2021-12-02. Review status: criteria provided, single submitter. Criteria: Invitae Variant Classification Sherloc (09022015). Collection method: clinical testing. Allele origin: germline.